The following is an entry in ClinVar:

ClinVar aggregate classification (germline): Pathogenic (1 of 4 stars; one submission).

Conditions:
Osteogenesis imperfecta type I (OI1). Also called: Lobstein's Disease; Lobstein disease; Classic Non-deforming Osteogenesis Imperfecta with Blue Sclerae; OI, TYPE I; OSTEOGENESIS IMPERFECTA TARDA; OSTEOGENESIS IMPERFECTA WITH BLUE SCLERAE. Identifiers: Orphanet 216796, Orphanet 666, MedGen C0023931, MONDO:0008146, OMIM 166200. Disease mechanism: loss of function.

Submission:

Labcorp Genetics (formerly Invitae), Labcorp
Classification: Pathogenic for Osteogenesis imperfecta type I. Last evaluated: 2025-11-15. Review status: criteria provided, single submitter. Criteria: Invitae Variant Classification Sherloc (09022015). Collection method: clinical testing. Allele origin: germline.
Comment: This sequence change creates a premature translational stop signal (p.Tyr165*) in the COL1A1 gene. It is expected to result in an absent or disrupted protein product. Loss-of-function variants in COL1A1 are known to be pathogenic (PMID: 7942841, 9295084, 9443882). This variant is not present in population databases (gnomAD no frequency). This premature translational stop signal has been observed in individual(s) with osteogenesis imperfecta (PMID: 31363794, 31447884). For these reasons, this variant has been classified as Pathogenic.

Literature cited by the submitters: PubMed 7942841; PubMed 9295084; PubMed 9443882; PubMed 31363794; PubMed 31447884.

NM_000088.4(COL1A1):c.495T>G (p.Tyr165Ter)

Gene: COL1A1 (collagen type I alpha 1 chain; minus strand). Cytogenetic location: 17q21.33.
Variant type: single nucleotide variant.
Coding change: c.495T>G on transcript NM_000088.4 (MANE Select); coding-DNA position 495, T replaced by G.
Protein change: p.Tyr165Ter; replaces tyrosine 165 with a stop codon.
Molecular consequence: nonsense.
Genome position (GRCh38, 1-based): chr17:50,198,481, A>C on the plus strand (T>G on the coding strand, the complement: COL1A1 is on the minus strand). VCF-style: chr17-50198481-A-C. GRCh37 (hg19) VCF-style: chr17-48275842-A-C.
Other names: short protein forms Y165*.
Identifiers: ClinVar variation 4750169 (VCV004750169.1).